The following is an entry in ClinVar:

ClinVar aggregate classification (germline): Conflicting classifications of pathogenicity. Review status: criteria provided, conflicting classifications (1 of 4 stars). 2 submissions from 2 submitters: Uncertain significance (1); Likely benign (1). Last evaluated 2026-07-01.

Conditions:
Inborn genetic diseases. Identifiers: MedGen C0950123, MeSH D030342.

Allele frequency attached by ClinVar (database versions not stated): ExAC 0.00003; TOPMed 0.00006; gnomAD 0.00007; ESP Exome Variant Server 0.00008; gnomAD exomes 0.00013.
gnomAD v4.1: 215 of 1,614,018 alleles (0.013%); highest among the groups gnomAD compares: Non-Finnish European, 0.017%; no homozygotes.

Submissions (2):

CeGaT Center for Human Genetics Tuebingen
Classification: Likely benign. Last evaluated: 2026-07-01. Review status: criteria provided, single submitter. Criteria: CeGaT Center For Human Genetics Tuebingen Variant Classification Criteria Version 2. Collection method: clinical testing. Allele origin: germline. Affected: yes. Observed: 1 variant allele.
Comment: ANKRD17: BS2

Ambry Genetics
Classification: Uncertain significance for Inborn genetic diseases. Last evaluated: 2023-02-23. Review status: criteria provided, single submitter. Criteria: Ambry Variant Classification Scheme 2023. Collection method: clinical testing. Allele origin: germline.

NM_032217.5(ANKRD17):c.7014T>G (p.His2338Gln)

Gene: ANKRD17 (ankyrin repeat domain 17; minus strand). Cytogenetic location: 4q13.3.
Variant type: single nucleotide variant.
Coding change: c.7014T>G on transcript NM_032217.5 (MANE Select); coding-DNA position 7014, T replaced by G.
Protein change: p.His2338Gln; replaces histidine 2338 with glutamine.
Molecular consequence: missense variant.
Genome position (GRCh38, 1-based): chr4:73,085,394, A>C on the plus strand (T>G on the coding strand, the complement: ANKRD17 is on the minus strand). VCF-style: chr4-73085394-A-C. GRCh37 (hg19) VCF-style: chr4-73951111-A-C.
Other names: c.6675T>G, p.His2225Gln (NM_001286771.3); c.7011T>G, p.His2337Gln (NM_015574.2); c.6261T>G, p.His2087Gln (NM_198889.3); short protein forms H2337Q, H2087Q, H2225Q, H2338Q.
Identifiers: ClinVar variation 3123683 (VCV003123683.2), dbSNP rs368858376, ClinGen allele CA2957877.